The following is an entry in ClinVar:

ClinVar aggregate classification (germline): Likely pathogenic (1 of 4 stars; one submission).

Submission:

Labcorp Genetics (formerly Invitae), Labcorp
Classification: Likely pathogenic. Last evaluated: 2021-12-22. Review status: criteria provided, single submitter. Criteria: Invitae Variant Classification Sherloc (09022015). Collection method: clinical testing. Allele origin: germline.
Comment: This sequence change disrupts the translational stop signal of the EFTUD2 mRNA. It is expected to extend the length of the EFTUD2 protein by 88 additional amino acid residues. This variant is not present in population databases (gnomAD no frequency). This protein extension has been observed in individual(s) with clinical features of mandibulofacial dysostosis with microcephaly (Invitae). In at least one individual the variant was observed to be de novo. Experimental studies and prediction algorithms are not available or were not evaluated, and the functional significance of this variant is currently unknown. In summary, the currently available evidence indicates that the variant is pathogenic, but additional data are needed to prove that conclusively. Therefore, this variant has been classified as Likely Pathogenic.

NM_004247.4(EFTUD2):c.2918G>C (p.Ter973Ser)

Gene: EFTUD2 (elongation factor Tu GTP binding domain containing 2; minus strand). Cytogenetic location: 17q21.31.
Variant type: single nucleotide variant.
Coding change: c.2918G>C on transcript NM_004247.4 (MANE Select); coding-DNA position 2918, G replaced by C.
Protein change: p.Ter973Ser.
Molecular consequence: stop lost.
Genome position (GRCh38, 1-based): chr17:44,851,275, C>G on the plus strand (G>C on the coding strand, the complement: EFTUD2 is on the minus strand). VCF-style: chr17-44851275-C-G. GRCh37 (hg19) VCF-style: chr17-42928643-C-G.
Other names: c.2813G>C, p.Ter938Ser (NM_001142605.2); c.2918G>C, p.Ter973Ser (NM_001258353.2); c.2888G>C, p.Ter963Ser (NM_001258354.2).
Identifiers: ClinVar variation 2053177 (VCV002053177.4), dbSNP rs2508711483, ClinGen allele CA399836866.